The following is an entry in ClinVar:

ClinVar aggregate classification (germline): Uncertain significance (1 of 4 stars; one submission).

Conditions:
Schuurs-Hoeijmakers syndrome. Also called: PACS1-Related Neurodevelopmental Disorder. Identifiers: Orphanet 329224, MedGen C3554343, MONDO:0014006, OMIM 615009.

Allele frequency attached by ClinVar (database versions not stated): gnomAD exomes below 0.00001.
gnomAD v4.1: 2 of 1,613,844 alleles (0.00012%); highest among the groups gnomAD compares: Non-Finnish European, 0.00017%; no homozygotes.

Submission:

Labcorp Genetics (formerly Invitae), Labcorp
Classification: Uncertain significance for Schuurs-Hoeijmakers syndrome. Last evaluated: 2023-05-11. Review status: criteria provided, single submitter. Criteria: Invitae Variant Classification Sherloc (09022015). Collection method: clinical testing. Allele origin: germline.
Comment: In summary, the available evidence is currently insufficient to determine the role of this variant in disease. Therefore, it has been classified as a Variant of Uncertain Significance. Advanced modeling of protein sequence and biophysical properties (such as structural, functional, and spatial information, amino acid conservation, physicochemical variation, residue mobility, and thermodynamic stability) performed at Invitae indicates that this missense variant is not expected to disrupt PACS1 protein function. This variant has not been reported in the literature in individuals affected with PACS1-related conditions. This variant is not present in population databases (gnomAD no frequency). This sequence change replaces glutamic acid, which is acidic and polar, with lysine, which is basic and polar, at codon 727 of the PACS1 protein (p.Glu727Lys).

NM_018026.4(PACS1):c.2179G>A (p.Glu727Lys)

Gene: PACS1 (phosphofurin acidic cluster sorting protein 1; plus strand). Cytogenetic location: 11q13.2.
Variant type: single nucleotide variant.
Coding change: c.2179G>A on transcript NM_018026.4 (MANE Select); coding-DNA position 2179, G replaced by A.
Protein change: p.Glu727Lys; replaces glutamic acid 727 with lysine.
Molecular consequence: missense variant.
Genome position (GRCh38, 1-based): chr11:66,235,375, G>A. VCF-style: chr11-66235375-G-A. GRCh37 (hg19) VCF-style: chr11-66002846-G-A.
Other names: short protein forms E727K.
Identifiers: ClinVar variation 2795739 (VCV002795739.3), dbSNP rs2495591991, ClinGen allele CA381376844.